The following is an entry in ClinVar:

NM_002161.6(IARS1):c.1246T>A (p.Phe416Ile)

Gene: IARS1 (isoleucyl-tRNA synthetase 1; minus strand). Cytogenetic location: 9q22.31.
Variant type: single nucleotide variant.
Coding change: c.1246T>A on transcript NM_002161.6 (MANE Select); coding-DNA position 1246, T replaced by A.
Protein change: p.Phe416Ile; replaces phenylalanine 416 with isoleucine.
Molecular consequence: missense variant. On other transcripts: non-coding transcript variant (1).
Genome position (GRCh38, 1-based): chr9:92,269,943, A>T on the plus strand (T>A on the coding strand, the complement: IARS1 is on the minus strand). VCF-style: chr9-92269943-A-T. GRCh37 (hg19) VCF-style: chr9-95032225-A-T.
Other names: c.1246T>A, p.Phe416Ile (NM_001374299.1, NM_001374300.1, NM_001374301.1 and 14 more transcripts); c.1309T>A, p.Phe437Ile (NM_001378569.1); c.1267T>A, p.Phe423Ile (NM_001378571.1); c.1123T>A, p.Phe375Ile (NM_001378583.1); short protein forms F375I, F416I, F423I, F437I.
Identifiers: ClinVar variation 5018622 (VCV005018622.2).
Genomic context (GRCh38, chr9:92,269,943, plus strand): 5'-ACCAGTAGCACAGGTCATTGTTCCTTAGGAGCTGGTCCACCATGTTCTCCACTCGCACAA[A>T]CCAGCTGGGCACTGCTTTGTAAATTAGAGGAGTGTCTGATCTGGGGAAGCAGAAACACAC-3'
Protein context (NP_002152.2, residues 406-426): PLIYKAVPSW[Phe416Ile]VRVENMVDQL

ClinVar aggregate classification (germline): Uncertain significance (1 of 4 stars; one submission).

Conditions:
Growth retardation, intellectual developmental disorder, hypotonia, and hepatopathy (GRIDHH). Also called: GROWTH RETARDATION, IMPAIRED INTELLECTUAL DEVELOPMENT, HYPOTONIA, AND HEPATOPATHY. Identifiers: Orphanet 541423, MedGen C4310720, MONDO:0014911, OMIM 617093.

Submission:

Juno Genomics, Hangzhou Juno Genomics, Inc
Classification: Uncertain significance for Growth retardation, intellectual developmental disorder, hypotonia, and hepatopathy. Review status: criteria provided, single submitter. Criteria: ACMG Guidelines, 2015. Collection method: clinical testing. Allele origin: germline.
Comment: Absent from controls (or at extremely low frequency if recessive) in Genome Aggregation Database.;Multiple lines of computational evidence support a deleterious effect on the gene or gene product.